The following is an entry in ClinVar:

NM_001142966.3(GREB1L):c.2571C>T (p.Cys857=)

Gene: GREB1L (GREB1 like retinoic acid receptor coactivator; plus strand). Cytogenetic location: 18q11.1.
Variant type: single nucleotide variant.
Coding change: c.2571C>T on transcript NM_001142966.3 (MANE Select); coding-DNA position 2571, C replaced by T.
Protein change: p.Cys857=; no amino-acid change (cysteine 857 retained).
Molecular consequence: synonymous variant.
Genome position (GRCh38, 1-based): chr18:21,485,634, C>T. VCF-style: chr18-21485634-C-T. GRCh37 (hg19) VCF-style: chr18-19065595-C-T.
Other names: c.2700C>T, p.Cys900= (NM_001410867.1); c.2244C>T, p.Cys748= (NM_001410868.1).
Identifiers: ClinVar variation 3036231 (VCV003036231.2), dbSNP rs1238756250, ClinGen allele CA503287830.

ClinVar aggregate classification (germline): Likely benign (0 of 4 stars; one submission).

Conditions:
GREB1L-related disorder. Also called: GREB1L-related condition.

Allele frequency attached by ClinVar (database versions not stated): gnomAD exomes below 0.00001.
gnomAD v4.1: 4 of 1,551,120 alleles (0.00026%); highest among the groups gnomAD compares: South Asian, 0.0012%; no homozygotes.

Submission:

PreventionGenetics, part of Exact Sciences
Classification: Likely benign for GREB1L-related condition. Last evaluated: 2024-07-16. Review status: no assertion criteria provided. Collection method: clinical testing. Allele origin: germline.
Comment: This variant is classified as likely benign based on ACMG/AMP sequence variant interpretation guidelines (Richards et al. 2015 PMID: 25741868, with internal and published modifications).